The following is an entry in ClinVar:

NM_000059.4(BRCA2):c.4072T>C (p.Phe1358Leu)

Gene: BRCA2 (BRCA2 DNA repair associated; plus strand). Cytogenetic location: 13q13.1.
Variant type: single nucleotide variant.
Coding change: c.4072T>C on transcript NM_000059.4 (MANE Select); coding-DNA position 4072, T replaced by C.
Protein change: p.Phe1358Leu; replaces phenylalanine 1358 with leucine.
Molecular consequence: missense variant. On other transcripts: non-coding transcript variant (1), intron variant (2).
Genome position (GRCh38, 1-based): chr13:32,338,427, T>C. VCF-style: chr13-32338427-T-C. GRCh37 (hg19) VCF-style: chr13-32912564-T-C.
Other names: c.4072T>C, p.Phe1358Leu (NM_001406719.1, NM_001406720.1); c.1909+5040T>C (NM_001406721.1); c.425-6131T>C (NM_001406722.1); short protein forms F1358L.
Identifiers: ClinVar variation 2792494 (VCV002792494.4), dbSNP rs1555283536, ClinGen allele CA387779152.
Genomic context (GRCh38, chr13:32,338,427, plus strand): 5'-GGCAGTGATTCAAGTAAAAATGATACTGTTTGTATTCATAAAGATGAAACGGACTTGCTA[T>C]TTACTGATCAGCACAACATATGTCTTAAATTATCTGGCCAGTTTATGAAGGAGGGAAACA-3'
Protein context (NP_000050.3, residues 1348-1368): CIHKDETDLL[Phe1358Leu]TDQHNICLKL

ClinVar aggregate classification (germline): Conflicting classifications of pathogenicity. Review status: criteria provided, conflicting classifications (1 of 4 stars). 2 submissions from 2 submitters: Uncertain significance (1); Likely benign (1). Last evaluated 2025-09-25.

Conditions:
Hereditary breast ovarian cancer syndrome. Also called: Hereditary breast and ovarian cancer syndrome; Hereditary breast and ovarian cancer syndrome (HBOC); Hereditary breast and/or ovarian cancer syndrome; Hereditary breast and ovarian cancer; Breast and ovarian cancer; BRCA1- and BRCA2-Associated Hereditary Breast and Ovarian Cancer. Identifiers: Orphanet 145, MedGen C0677776, MeSH D061325, MONDO:0003582. Disease mechanism: loss of function.
Hereditary cancer-predisposing syndrome. Also called: Hereditary Cancer Syndrome; Neoplastic Syndromes, Hereditary; Tumor predisposition; Hereditary neoplastic syndrome. Identifiers: Orphanet 140162, MedGen C0027672, MeSH D009386, MONDO:0015356.

Allele frequency attached by ClinVar (database versions not stated): gnomAD exomes below 0.00001.
gnomAD v4.1: 1 of 1,609,434 alleles (0.000062%); highest among the groups gnomAD compares: African/African-American, 0.0013%; no homozygotes.

Submissions (2):

Ambry Genetics
Classification: Likely benign for Hereditary cancer-predisposing syndrome. Last evaluated: 2025-09-25. Review status: criteria provided, single submitter. Criteria: Ambry Variant Classification Scheme 2023. Collection method: clinical testing. Allele origin: germline.

Labcorp Genetics (formerly Invitae), Labcorp
Classification: Uncertain significance for Hereditary breast ovarian cancer syndrome. Last evaluated: 2024-12-12. Review status: criteria provided, single submitter. Criteria: Invitae Variant Classification Sherloc (09022015). Collection method: clinical testing. Allele origin: germline.
Comment: This sequence change replaces phenylalanine, which is neutral and non-polar, with leucine, which is neutral and non-polar, at codon 1358 of the BRCA2 protein (p.Phe1358Leu). This variant is not present in population databases (gnomAD no frequency). This variant has not been reported in the literature in individuals affected with BRCA2-related conditions. ClinVar contains an entry for this variant (Variation ID: 2792494). Invitae Evidence Modeling of protein sequence and biophysical properties (such as structural, functional, and spatial information, amino acid conservation, physicochemical variation, residue mobility, and thermodynamic stability) indicates that this missense variant is not expected to disrupt BRCA2 protein function with a negative predictive value of 95%. In summary, the available evidence is currently insufficient to determine the role of this variant in disease. Therefore, it has been classified as a Variant of Uncertain Significance.